The following is an entry in ClinVar:

NM_001267550.2(TTN):c.88889C>A (p.Ala29630Glu)

Genes: TTN (titin; minus strand), TTN-AS1 (TTN antisense RNA 1; plus strand). Cytogenetic location: 2q31.2.
Variant type: single nucleotide variant.
Coding change: c.88889C>A on transcript NM_001267550.2 (MANE Select); coding-DNA position 88889, C replaced by A.
Protein change: p.Ala29630Glu; replaces alanine 29630 with glutamic acid.
Molecular consequence: missense variant.
Genome position (GRCh38, 1-based): chr2:178,554,458, G>T on the plus strand (C>A on the coding strand, the complement: TTN is on the minus strand). VCF-style: chr2-178554458-G-T. GRCh37 (hg19) VCF-style: chr2-179419185-G-T.
Other names: c.83966C>A, p.Ala27989Glu (NM_001256850.1); c.61694C>A, p.Ala20565Glu (NM_003319.4); c.81185C>A, p.Ala27062Glu (NM_133378.4); c.62069C>A, p.Ala20690Glu (NM_133432.3); c.62270C>A, p.Ala20757Glu (NM_133437.4); short protein forms A20565E, A20690E, A20757E, A27062E, A27989E, A29630E.
Identifiers: ClinVar variation 2684098 (VCV002684098.1), dbSNP rs765816174, ClinGen allele CA1988041.

ClinVar aggregate classification (germline): Uncertain significance (1 of 4 stars; one submission).

Allele frequency attached by ClinVar (database versions not stated): gnomAD exomes below 0.00001; ExAC 0.00001.
gnomAD v4.1: 1 of 1,612,634 alleles (0.000062%); highest among the groups gnomAD compares: Non-Finnish European, 0.000085%; no homozygotes.

Submission:

Athena Diagnostics
Classification: Uncertain significance. Last evaluated: 2022-09-27. Review status: criteria provided, single submitter. Criteria: Athena Diagnostics Criteria. Collection method: clinical testing. Allele origin: unknown.
Comment: Available data are insufficient to determine the clinical significance of the variant at this time. The frequency of this variant in the general population is uninformative in assessment of its pathogenicity. Computational tools predict that this variant is not damaging.